The following is an entry in ClinVar:

NM_001369268.1(ACAN):c.536G>A (p.Ser179Asn)

Gene: ACAN (aggrecan; plus strand). Cytogenetic location: 15q26.1.
Variant type: single nucleotide variant.
Coding change: c.536G>A on transcript NM_001369268.1 (MANE Select); coding-DNA position 536, G replaced by A.
Protein change: p.Ser179Asn; replaces serine 179 with asparagine.
Molecular consequence: missense variant.
Genome position (GRCh38, 1-based): chr15:88,840,093, G>A. VCF-style: chr15-88840093-G-A. GRCh37 (hg19) VCF-style: chr15-89383324-G-A.
Other names: c.536G>A, p.Ser179Asn (NM_001135.4, NM_001411096.1, NM_001411097.1 and 1 more transcripts); short protein forms S179N.
Identifiers: ClinVar variation 2080907 (VCV002080907.4), dbSNP rs766337526, ClinGen allele CA7719262.

ClinVar aggregate classification (germline): Uncertain significance (1 of 4 stars; one submission).

Allele frequency attached by ClinVar (database versions not stated): gnomAD exomes below 0.00001; TOPMed below 0.00001; gnomAD 0.00001; ExAC 0.00002.
gnomAD v4.1: 5 of 1,605,098 alleles (0.00031%); highest among the groups gnomAD compares: Admixed American, 0.0034%; no homozygotes.

Submission:

Labcorp Genetics (formerly Invitae), Labcorp
Classification: Uncertain significance. Last evaluated: 2022-08-03. Review status: criteria provided, single submitter. Criteria: Invitae Variant Classification Sherloc (09022015). Collection method: clinical testing. Allele origin: germline.
Comment: This sequence change replaces serine, which is neutral and polar, with asparagine, which is neutral and polar, at codon 179 of the ACAN protein (p.Ser179Asn). This variant is present in population databases (rs766337526, gnomAD 0.003%). This variant has not been reported in the literature in individuals affected with ACAN-related conditions. Algorithms developed to predict the effect of missense changes on protein structure and function are either unavailable or do not agree on the potential impact of this missense change (SIFT: "Deleterious"; PolyPhen-2: "Not Available"; Align-GVGD: "Class C45"). In summary, the available evidence is currently insufficient to determine the role of this variant in disease. Therefore, it has been classified as a Variant of Uncertain Significance.